The following is an entry in ClinVar:

ClinVar aggregate classification (germline): Uncertain significance. Review status: criteria provided, multiple submitters, no conflicts (2 of 4 stars). 2 submissions from 2 submitters: Uncertain significance (2). Last evaluated 2025-09-22.

Conditions:
Inborn genetic diseases. Identifiers: MedGen C0950123, MeSH D030342.

Allele frequency attached by ClinVar (database versions not stated): TOPMed below 0.00001; gnomAD 0.00001.
gnomAD v4.1: 5 of 1,555,808 alleles (0.00032%); highest among the groups gnomAD compares: Non-Finnish European, 0.00043%; no homozygotes.

Submissions (2):

Labcorp Genetics (formerly Invitae), Labcorp
Classification: Uncertain significance. Last evaluated: 2025-09-22. Review status: criteria provided, single submitter. Criteria: Invitae Variant Classification Sherloc (09022015). Collection method: clinical testing. Allele origin: germline.
Comment: This sequence change replaces alanine, which is neutral and non-polar, with valine, which is neutral and non-polar, at codon 231 of the PRDM13 protein (p.Ala231Val). The frequency data for this variant in the population databases is considered unreliable, as metrics indicate poor data quality at this position in the gnomAD database. This variant has not been reported in the literature in individuals affected with PRDM13-related conditions. ClinVar contains an entry for this variant (Variation ID: 2227596). An algorithm developed to predict the effect of missense changes on protein structure and function outputs the following: PolyPhen-2: "Benign". The valine amino acid residue is found in multiple mammalian species, which suggests that this missense change does not adversely affect protein function. In summary, the available evidence is currently insufficient to determine the role of this variant in disease. Therefore, it has been classified as a Variant of Uncertain Significance.

Ambry Genetics
Classification: Uncertain significance for Inborn genetic diseases. Last evaluated: 2021-07-14. Review status: criteria provided, single submitter. Criteria: Ambry Variant Classification Scheme 2023. Collection method: clinical testing. Allele origin: germline.

NM_021620.4(PRDM13):c.692C>T (p.Ala231Val)

Gene: PRDM13 (PR/SET domain 13; plus strand). Cytogenetic location: 6q16.2.
Variant type: single nucleotide variant.
Coding change: c.692C>T on transcript NM_021620.4 (MANE Select); coding-DNA position 692, C replaced by T.
Protein change: p.Ala231Val; replaces alanine 231 with valine.
Molecular consequence: missense variant.
Genome position (GRCh38, 1-based): chr6:99,613,327, C>T. VCF-style: chr6-99613327-C-T. GRCh37 (hg19) VCF-style: chr6-100061203-C-T.
Other names: short protein forms A231V.
Identifiers: ClinVar variation 2227596 (VCV002227596.3), dbSNP rs748789994, ClinGen allele CA365115953.